The following is an entry in ClinVar:

NM_021096.4(CACNA1I):c.*6G>A

Gene: CACNA1I (calcium voltage-gated channel subunit alpha1 I; plus strand). Cytogenetic location: 22q13.1.
Variant type: single nucleotide variant.
Coding change: c.*6G>A on transcript NM_021096.4 (MANE Select); 6 bases downstream of the stop codon, G replaced by A.
Molecular consequence: 3 prime UTR variant.
Genome position (GRCh38, 1-based): chr22:39,686,411, G>A. VCF-style: chr22-39686411-G-A. GRCh37 (hg19) VCF-style: chr22-40082416-G-A.
Other names: c.*6G>A (NM_001003406.2).
Identifiers: ClinVar variation 3045400 (VCV003045400.2), dbSNP rs527638340, ClinGen allele CA639824701.
Genomic context (GRCh38, chr22:39,686,411, plus strand): 5'-ACCGCTCCCCGGAGAGCTGGAGCCGGGAGACGCCGCCAGCAAGAGGAAGAGATGAGGGTC[G>A]CAGGGGCCCCCGGCCGCCCACCGCCCGCCCCGTCTCACCTTCTTTACCTCAGGAGCCAGG-3'

ClinVar aggregate classification (germline): Likely benign (0 of 4 stars; one submission).

Conditions:
CACNA1I-related disorder. Also called: CACNA1I-related condition.

gnomAD v4.1: 14 of 1,238,322 alleles (0.0011%); highest among the groups gnomAD compares: African/African-American, 0.011%; no homozygotes.

Submission:

PreventionGenetics, part of Exact Sciences
Classification: Likely benign for CACNA1I-related condition. Last evaluated: 2019-04-05. Review status: no assertion criteria provided. Collection method: clinical testing. Allele origin: germline.
Comment: This variant is classified as likely benign based on ACMG/AMP sequence variant interpretation guidelines (Richards et al. 2015 PMID: 25741868, with internal and published modifications).